The following is an entry in ClinVar:

NM_001271.4(CHD2):c.721G>C (p.Asp241His)

Gene: CHD2 (chromodomain helicase DNA binding protein 2; plus strand). Cytogenetic location: 15q26.1.
Variant type: single nucleotide variant.
Coding change: c.721G>C on transcript NM_001271.4 (MANE Select); coding-DNA position 721, G replaced by C.
Protein change: p.Asp241His; replaces aspartic acid 241 with histidine.
Molecular consequence: missense variant.
Genome position (GRCh38, 1-based): chr15:92,941,850, G>C. VCF-style: chr15-92941850-G-C. GRCh37 (hg19) VCF-style: chr15-93485080-G-C.
Other names: c.721G>C, p.Asp241His (NM_001042572.3); c.721G>C (NM_001271.3); short protein forms D241H.
Identifiers: ClinVar variation 1433423 (VCV001433423.7), dbSNP rs2141785066, ClinGen allele CA393900685.

ClinVar aggregate classification (germline): Uncertain significance. Review status: criteria provided, single submitter (1 of 4 stars). 2 submissions from 2 submitters: Uncertain significance (1). 1 of the submissions does not count toward it. Last evaluated 2021-12-13.

Conditions:
Developmental and epileptic encephalopathy 94 (DEE94). Also called: Epileptic encephalopathy, childhood-onset; CHD2-Related Neurodevelopmental Disorders. Identifiers: Orphanet 1942, Orphanet 2382, MedGen C3809278, MONDO:0014150, OMIM 615369.
CHD2-related disorder. Also called: CHD2-related condition.

Submissions (2):

Labcorp Genetics (formerly Invitae), Labcorp
Classification: Uncertain significance for Developmental and epileptic encephalopathy 94. Last evaluated: 2021-12-13. Review status: criteria provided, single submitter. Criteria: Invitae Variant Classification Sherloc (09022015). Collection method: clinical testing. Allele origin: germline.
Comment: In summary, the available evidence is currently insufficient to determine the role of this variant in disease. Therefore, it has been classified as a Variant of Uncertain Significance. Advanced modeling of protein sequence and biophysical properties (such as structural, functional, and spatial information, amino acid conservation, physicochemical variation, residue mobility, and thermodynamic stability) performed at Invitae indicates that this missense variant is not expected to disrupt CHD2 protein function. This variant has not been reported in the literature in individuals affected with CHD2-related conditions. This variant is not present in population databases (gnomAD no frequency). This sequence change replaces aspartic acid, which is acidic and polar, with histidine, which is basic and polar, at codon 241 of the CHD2 protein (p.Asp241His).

PreventionGenetics, part of Exact Sciences
Classification: Uncertain significance for CHD2-related condition. Last evaluated: 2024-04-05. Review status: no assertion criteria provided. Collection method: clinical testing. Allele origin: germline. Not counted in ClinVar's aggregate classification.
Comment: The CHD2 c.721G>C variant is predicted to result in the amino acid substitution p.Asp241His. To our knowledge, this variant has not been reported in the literature or in a large population database, indicating this variant is rare. At this time, the clinical significance of this variant is uncertain due to the absence of conclusive functional and genetic evidence.